The following is an entry in ClinVar:

ClinVar aggregate classification (germline): Uncertain significance. Review status: criteria provided, multiple submitters, no conflicts (2 of 4 stars). 3 submissions from 3 submitters: Uncertain significance (3). Last evaluated 2024-03-16.

Conditions:
Inborn genetic diseases. Identifiers: MedGen C0950123, MeSH D030342.

Allele frequency attached by ClinVar (database versions not stated): ExAC 0.00001; gnomAD exomes 0.00001; gnomAD 0.00003; TOPMed 0.00003.
gnomAD v4.1: 14 of 1,601,802 alleles (0.00087%); highest among the groups gnomAD compares: Admixed American, 0.012%; no homozygotes.

Submissions (3):

Revvity Omics, Revvity
Classification: Uncertain significance. Last evaluated: 2024-03-16. Review status: criteria provided, single submitter. Criteria: ACMG Guidelines, 2015. Collection method: clinical testing. Allele origin: germline.

Ambry Genetics
Classification: Uncertain significance for Inborn genetic diseases. Last evaluated: 2023-11-13. Review status: criteria provided, single submitter. Criteria: Ambry Variant Classification Scheme 2023. Collection method: clinical testing. Allele origin: germline.

Labcorp Genetics (formerly Invitae), Labcorp
Classification: Uncertain significance. Last evaluated: 2022-11-11. Review status: criteria provided, single submitter. Criteria: Invitae Variant Classification Sherloc (09022015). Collection method: clinical testing. Allele origin: germline.
Comment: This sequence change replaces tyrosine, which is neutral and polar, with asparagine, which is neutral and polar, at codon 270 of the ADCY5 protein (p.Tyr270Asn). This variant is present in population databases (rs751055438, gnomAD 0.006%). This variant has not been reported in the literature in individuals affected with ADCY5-related conditions. Advanced modeling of protein sequence and biophysical properties (such as structural, functional, and spatial information, amino acid conservation, physicochemical variation, residue mobility, and thermodynamic stability) has been performed at Invitae for this missense variant, however the output from this modeling did not meet the statistical confidence thresholds required to predict the impact of this variant on ADCY5 protein function. In summary, the available evidence is currently insufficient to determine the role of this variant in disease. Therefore, it has been classified as a Variant of Uncertain Significance.

NM_183357.3(ADCY5):c.808T>A (p.Tyr270Asn)

Gene: ADCY5 (adenylate cyclase 5; minus strand). Cytogenetic location: 3q21.1.
Variant type: single nucleotide variant.
Coding change: c.808T>A on transcript NM_183357.3 (MANE Select); coding-DNA position 808, T replaced by A.
Protein change: p.Tyr270Asn; replaces tyrosine 270 with asparagine.
Molecular consequence: missense variant.
Genome position (GRCh38, 1-based): chr3:123,447,738, A>T on the plus strand (T>A on the coding strand, the complement: ADCY5 is on the minus strand). VCF-style: chr3-123447738-A-T. GRCh37 (hg19) VCF-style: chr3-123166585-A-T.
Other names: c.808T>A, p.Tyr270Asn (NM_001378259.1); c.808T>A (NM_183357.2); short protein forms Y270N.
Identifiers: ClinVar variation 2886377 (VCV002886377.5), dbSNP rs751055438, ClinGen allele CA2577636.